The following is an entry in ClinVar:

ClinVar aggregate classification (germline): Likely benign. Review status: criteria provided, multiple submitters, no conflicts (2 of 4 stars). 4 submissions from 4 submitters: Likely benign (4). Last evaluated 2025-12-24.

Conditions:
Arrhythmogenic right ventricular dysplasia 9 (ARVD9). Also called: Arrhythmogenic Right Ventricular Dysplasia/Cardiomyopathy 9; ARRHYTHMOGENIC RIGHT VENTRICULAR DYSPLASIA, FAMILIAL, 9. Identifiers: MedGen C1836906, MONDO:0012180, OMIM 609040.

Allele frequency attached by ClinVar (database versions not stated): gnomAD 0.00002; TOPMed 0.00003; gnomAD exomes 0.00004 and 0.00007; ExAC 0.00006.
gnomAD v4.1: 92 of 1,434,062 alleles (0.0064%); highest among the groups gnomAD compares: Non-Finnish European, 0.0086%; no homozygotes.

Submissions (4):

Labcorp Genetics (formerly Invitae), Labcorp
Classification: Likely benign for Arrhythmogenic right ventricular dysplasia 9. Last evaluated: 2025-12-24. Review status: criteria provided, single submitter. Criteria: Invitae Variant Classification Sherloc (09022015). Collection method: clinical testing. Allele origin: germline.

Women's Health and Genetics/Laboratory Corporation of America, LabCorp
Classification: Likely benign. Last evaluated: 2025-06-20. Review status: criteria provided, single submitter. Criteria: LabCorp Variant Classification Summary - May 2015. Collection method: clinical testing. Allele origin: germline.

Blueprint Genetics
Classification: Likely benign. Last evaluated: 2020-09-15. Review status: criteria provided, single submitter. Criteria: ACMG Guidelines, 2015. Collection method: clinical testing. Allele origin: germline.

Laboratory for Molecular Medicine, Mass General Brigham Personalized Medicine
Classification: Likely benign. Last evaluated: 2015-06-25. Review status: criteria provided, single submitter. Criteria: LMM Criteria. Collection method: clinical testing. Allele origin: germline. Observed: 1 variant allele.
Comment: c.1806+15A>C in intron 8 of PKP2: This variant is not expected to have clinical significance because it is not located within the splice consensus sequence. It has been identified in 7/66604 European chromosomes by the Exome Aggregation Con sortium (ExAC; dbSNP rs749247141).

NM_001005242.3(PKP2):c.1674+15A>C

Gene: PKP2 (plakophilin 2; minus strand). Cytogenetic location: 12p11.21.
Variant type: single nucleotide variant.
Coding change: c.1674+15A>C on transcript NM_001005242.3 (MANE Select); 15 bases into the intron after coding-DNA position 1674, A replaced by C.
Molecular consequence: intron variant.
Genome position (GRCh38, 1-based): chr12:32,824,030, T>G on the plus strand (A>C on the coding strand, the complement: PKP2 is on the minus strand). VCF-style: chr12-32824030-T-G. GRCh37 (hg19) VCF-style: chr12-32976964-T-G.
Other names: c.1806+15A>C (NM_004572.4).
Identifiers: ClinVar variation 227846 (VCV000227846.14), dbSNP rs749247141, ClinGen allele CA030743.
Genomic context (GRCh38, chr12:32,824,030, plus strand): 5'-AAACCAAGCGGCTATCTTAAGAATATTCTGAAGCATCTTAGTAAGACAAAACAGGATATT[T>G]ATCTCTTGAATTACCTTGTCATCTGGCTGGTAATCTGCAATGGTTCCTCTGACATAATGG-3'